The following is an entry in ClinVar:

ClinVar aggregate classification (germline): Uncertain significance (1 of 4 stars; one submission).

Conditions:
Familial thoracic aortic aneurysm and aortic dissection (TAAD). Also called: Thoracic aortic aneurysms and dissections. Identifiers: Orphanet 91387, MedGen C4707243, MONDO:0019625.

Submission:

Ambry Genetics
Classification: Uncertain significance for Familial thoracic aortic aneurysm and aortic dissection. Last evaluated: 2026-02-13. Review status: criteria provided, single submitter. Criteria: Ambry Variant Classification Scheme 2023. Collection method: clinical testing. Allele origin: germline.
Comment: The p.T1877N variant (also known as c.5630C>A), located in coding exon 33 of the FLNA gene, results from a C to A substitution at nucleotide position 5630. The threonine at codon 1877 is replaced by asparagine, an amino acid with similar properties. This amino acid position is conserved. In addition, this alteration is predicted to be tolerated by in silico analysis. Based on the available evidence, the clinical significance of this variant remains unclear.

NM_001110556.2(FLNA):c.5654C>A (p.Thr1885Asn)

Gene: FLNA (filamin A; minus strand). Cytogenetic location: Xq28.
Variant type: single nucleotide variant.
Coding change: c.5654C>A on transcript NM_001110556.2 (MANE Select); coding-DNA position 5654, C replaced by A.
Protein change: p.Thr1885Asn; replaces threonine 1885 with asparagine.
Molecular consequence: missense variant.
Genome position (GRCh38, 1-based): chrX:154,353,947, G>T on the plus strand (C>A on the coding strand, the complement: FLNA is on the minus strand). VCF-style: chrX-154353947-G-T. GRCh37 (hg19) VCF-style: chrX-153582315-G-T.
Other names: c.5630C>A, p.Thr1877Asn (NM_001456.4); short protein forms T1885N, T1877N.
Identifiers: ClinVar variation 4845056 (VCV004845056.1).